The following is an entry in ClinVar:

ClinVar aggregate classification (germline): Uncertain significance (1 of 4 stars; one submission).

Submission:

Women's Health and Genetics/Laboratory Corporation of America, LabCorp
Classification: Uncertain significance. Last evaluated: 2025-07-16. Review status: criteria provided, single submitter. Criteria: LabCorp Variant Classification Summary - May 2015. Collection method: clinical testing. Allele origin: germline.
Comment: Variant summary: LRRK2 c.1657-3T>C alters a conserved nucleotide located close to a canonical splice site and therefore could affect mRNA splicing, leading to a significantly altered protein sequence. Consensus agreement among computation tools predict no significant impact on normal splicing. However, these predictions have yet to be confirmed by functional studies. The variant was absent in 251120 control chromosomes. The available data on variant occurrences in the general population are insufficient to allow any conclusion about variant significance. To our knowledge, no occurrence of c.1657-3T>C in individuals affected with Autosomal dominant Parkinson disease 8 and no experimental evidence demonstrating its impact on protein function have been reported. No submitters have cited clinical-significance assessments for this variant to ClinVar. Based on the evidence outlined above, the variant was classified as uncertain significance.

NM_198578.4(LRRK2):c.1657-3T>C

Gene: LRRK2 (leucine rich repeat kinase 2; plus strand). Cytogenetic location: 12q12.
Variant type: single nucleotide variant.
Coding change: c.1657-3T>C on transcript NM_198578.4 (MANE Select); 3 bases into the intron before coding-DNA position 1657, T replaced by C.
Molecular consequence: intron variant.
Genome position (GRCh38, 1-based): chr12:40,274,580, T>C. VCF-style: chr12-40274580-T-C. GRCh37 (hg19) VCF-style: chr12-40668382-T-C.
Identifiers: ClinVar variation 4525830 (VCV004525830.1).
Genomic context (GRCh38, chr12:40,274,580, plus strand): 5'-TGGTCTTAACTAAGGTAAGTATTAAGATCTCATTTTTAACAGCGAGTATTCTTTTGATTT[T>C]AGTTCATTGGAAATCCTGGGATTCAGAAATGTGGATTAAAAGTAATTTCTTCTATTGTAC-3'